The following is an entry in ClinVar:

NM_005159.5(ACTC1):c.2T>C (p.Met1Thr)

Genes: GJD2-DT (GJD2 divergent transcript; plus strand), ACTC1 (actin alpha cardiac muscle 1; minus strand). Cytogenetic location: 15q14.
Variant type: single nucleotide variant.
Coding change: c.2T>C on transcript NM_005159.5 (MANE Select); coding-DNA position 2, T replaced by C.
Protein change: p.Met1Thr; changes the start codon (methionine 1).
Molecular consequence: missense variant, initiator codon variant.
Genome position (GRCh38, 1-based): chr15:34,794,807, A>G on the plus strand (T>C on the coding strand, the complement: ACTC1 is on the minus strand). VCF-style: chr15-34794807-A-G. GRCh37 (hg19) VCF-style: chr15-35087008-A-G.
Other names: short protein forms M1T.
Identifiers: ClinVar variation 967017 (VCV000967017.2), dbSNP rs781220417, ClinGen allele CA041583.
Genomic context (GRCh38, chr15:34,794,807, plus strand): 5'-GCCTTCACCAGCCCAGAGCCGTTGTCGCACACCAGGGCGGTGGTCTCCTCGTCGTCACAC[A>G]TCTTGGCACAGCTTCAGGGGGTTCTGCAGGTTGAGGAGGGGAGGGCGGACCACGCTTAGC-3'
Protein context (NP_005150.1, residues 1-11): [Met1Thr]CDDEETTALV

ClinVar aggregate classification (germline): Uncertain significance (1 of 4 stars; one submission).

Conditions:
Hypertrophic cardiomyopathy 11. Also called: ACTC1-Related Familial Hypertrophic Cardiomyopathy. Identifiers: MedGen C2677506, MONDO:0012799, OMIM 612098.
Dilated cardiomyopathy 1R (CMD1R). Identifiers: Orphanet 154, Orphanet 54260, MedGen C3150681, MONDO:0013261, OMIM 613424.
Atrial septal defect 5 (ASD5). Identifiers: Orphanet 1478, MedGen C2748552, MONDO:0013011, OMIM 612794.

Allele frequency attached by ClinVar (database versions not stated): gnomAD exomes below 0.00001; ExAC 0.00001.

Submission:

Labcorp Genetics (formerly Invitae), Labcorp
Classification: Uncertain significance for Dilated cardiomyopathy 1R; Familial hypertrophic cardiomyopathy 11; Atrial septal defect 5. Last evaluated: 2019-10-07. Review status: criteria provided, single submitter. Criteria: Invitae Variant Classification Sherloc (09022015). Collection method: clinical testing. Allele origin: germline.
Comment: This sequence change affects the initiator methionine of the ACTC1 mRNA. The next in-frame methionine is located at codon 46. This variant is present in population databases (rs781220417, ExAC 0.002%). This variant has not been reported in the literature in individuals with ACTC1-related conditions. Experimental studies and prediction algorithms are not available or were not evaluated, and the functional significance of this variant is currently unknown. In summary, the available evidence is currently insufficient to determine the role of this variant in disease. Therefore, it has been classified as a Variant of Uncertain Significance.